The following is an entry in ClinVar:

NM_003072.5(SMARCA4):c.2248G>T (p.Val750Phe)

Gene: SMARCA4 (SWI/SNF related BAF chromatin remodeling complex subunit ATPase 4; plus strand). Cytogenetic location: 19p13.2.
Variant type: single nucleotide variant.
Coding change: c.2248G>T on transcript NM_003072.5 (MANE Select); coding-DNA position 2248, G replaced by T.
Protein change: p.Val750Phe; replaces valine 750 with phenylalanine.
Molecular consequence: missense variant. On other transcripts: non-coding transcript variant (1).
Genome position (GRCh38, 1-based): chr19:11,010,505, G>T. VCF-style: chr19-11010505-G-T. GRCh37 (hg19) VCF-style: chr19-11121181-G-T.
Other names: c.2248G>T, p.Val750Phe (NM_001128844.3, NM_001128845.2, NM_001128846.2 and 6 more transcripts); short protein forms V750F.
Identifiers: ClinVar variation 1788371 (VCV001788371.6), dbSNP rs2146238326, ClinGen allele CA404052923.

ClinVar aggregate classification (germline): Uncertain significance. Review status: criteria provided, multiple submitters, no conflicts (2 of 4 stars). 2 submissions from 2 submitters: Uncertain significance (2). Last evaluated 2025-10-22.

Conditions:
Hereditary cancer-predisposing syndrome. Also called: Neoplastic Syndromes, Hereditary; Tumor predisposition; Hereditary Cancer Syndrome; Hereditary neoplastic syndrome. Identifiers: Orphanet 140162, MedGen C0027672, MeSH D009386, MONDO:0015356.
Rhabdoid tumor predisposition syndrome 2 (RTPS2). Identifiers: Orphanet 231108, Orphanet 69077, MedGen C2750074, MONDO:0013224, OMIM 613325.

Submissions (2):

Ambry Genetics
Classification: Uncertain significance for Hereditary cancer-predisposing syndrome. Last evaluated: 2025-10-22. Review status: criteria provided, single submitter. Criteria: Ambry Variant Classification Scheme 2023. Collection method: clinical testing. Allele origin: germline.
Comment: The p.V750F variant (also known as c.2248G>T), located in coding exon 14 of the SMARCA4 gene, results from a G to T substitution at nucleotide position 2248. The valine at codon 750 is replaced by phenylalanine, an amino acid with highly similar properties. This amino acid position is not well conserved in available vertebrate species. In addition, the in silico prediction for this alteration is inconclusive. Based on the available evidence, the clinical significance of this variant remains unclear.

Labcorp Genetics (formerly Invitae), Labcorp
Classification: Uncertain significance for Rhabdoid tumor predisposition syndrome 2. Last evaluated: 2022-12-03. Review status: criteria provided, single submitter. Criteria: Invitae Variant Classification Sherloc (09022015). Collection method: clinical testing. Allele origin: germline.
Comment: In summary, the available evidence is currently insufficient to determine the role of this variant in disease. Therefore, it has been classified as a Variant of Uncertain Significance. Advanced modeling of protein sequence and biophysical properties (such as structural, functional, and spatial information, amino acid conservation, physicochemical variation, residue mobility, and thermodynamic stability) has been performed at Invitae for this missense variant, however the output from this modeling did not meet the statistical confidence thresholds required to predict the impact of this variant on SMARCA4 protein function. This variant has not been reported in the literature in individuals affected with SMARCA4-related conditions. This variant is not present in population databases (gnomAD no frequency). This sequence change replaces valine, which is neutral and non-polar, with phenylalanine, which is neutral and non-polar, at codon 750 of the SMARCA4 protein (p.Val750Phe).